The following is an entry in ClinVar:

NM_001042492.3(NF1):c.6643G>A (p.Ala2215Thr)

Gene: NF1 (neurofibromin 1; plus strand). Cytogenetic location: 17q11.2.
Variant type: single nucleotide variant.
Coding change: c.6643G>A on transcript NM_001042492.3 (MANE Select); coding-DNA position 6643, G replaced by A.
Protein change: p.Ala2215Thr; replaces alanine 2215 with threonine.
Molecular consequence: missense variant.
Genome position (GRCh38, 1-based): chr17:31,337,819, G>A. VCF-style: chr17-31337819-G-A. GRCh37 (hg19) VCF-style: chr17-29664837-G-A.
Other names: c.6580G>A, p.Ala2194Thr (NM_000267.4); short protein forms A2215T, A2194T.
Identifiers: ClinVar variation 4031217 (VCV004031217.1).

ClinVar aggregate classification (germline): Uncertain significance (1 of 4 stars; one submission).

Conditions:
Cardiovascular phenotype. Identifiers: MedGen CN230736.
Hereditary cancer-predisposing syndrome. Also called: Neoplastic Syndromes, Hereditary; Tumor predisposition; Hereditary neoplastic syndrome; Hereditary Cancer Syndrome. Identifiers: Orphanet 140162, MedGen C0027672, MeSH D009386, MONDO:0015356.

Submission:

Ambry Genetics
Classification: Uncertain significance for Cardiovascular phenotype; Hereditary cancer-predisposing syndrome. Last evaluated: 2025-05-19. Review status: criteria provided, single submitter. Criteria: Ambry Variant Classification Scheme 2023. Collection method: clinical testing. Allele origin: germline.
Comment: The p.A2194T variant (also known as c.6580G>A) is located in coding exon 43 of the NF1 gene. The alanine at codon 2194 is replaced by threonine, an amino acid with similar properties. This change occurs in the first base pair of coding exon 43. This amino acid position is conserved. In addition, the in silico prediction for this alteration is inconclusive. Based on the available evidence, the clinical significance of this variant remains unclear.